The following is an entry in ClinVar:

NM_145068.4(TRPV3):c.489G>A (p.Thr163=)

Gene: TRPV3 (transient receptor potential cation channel subfamily V member 3; minus strand). Cytogenetic location: 17p13.2.
Variant type: single nucleotide variant.
Coding change: c.489G>A on transcript NM_145068.4 (MANE Select); coding-DNA position 489, G replaced by A.
Protein change: p.Thr163=; no amino-acid change (threonine 163 retained).
Molecular consequence: synonymous variant.
Genome position (GRCh38, 1-based): chr17:3,542,676, C>T on the plus strand (G>A on the coding strand, the complement: TRPV3 is on the minus strand). VCF-style: chr17-3542676-C-T. GRCh37 (hg19) VCF-style: chr17-3445970-C-T.
Other names: c.489G>A, p.Thr163= (NM_001258205.2).
Identifiers: ClinVar variation 322790 (VCV000322790.8), dbSNP rs771432151, ClinGen allele CA8289825.
Genomic context (GRCh38, chr17:3,542,676, plus strand): 5'-GGTGTTGGGGTTGATGTTTAACAAGGCCTTCATCAGGCAGGTCTTCCCCGTGTCGGAGGC[C>T]GTCAGCTTGTGCATGAGGAAGTCTGCAGGCAGGGCCATGGGTGGAGTTACAGGAGGGCCC-3'
Protein context (NP_659505.1, residues 153-173): DVPDFLMHKL[Thr163=]ASDTGKTCLM

ClinVar aggregate classification (germline): Benign. Review status: criteria provided, multiple submitters, no conflicts (2 of 4 stars). 2 submissions from 2 submitters: Benign (2). Last evaluated 2024-01-22.

Conditions:
Isolated focal non-epidermolytic palmoplantar keratoderma. Also called: Palmoplantar keratoderma, nonepidermolytic, focal 2. Identifiers: Orphanet 448264, MedGen C4225339, MONDO:0014622, OMIM 616400.

Allele frequency attached by ClinVar (database versions not stated): gnomAD 0.00019; gnomAD exomes 0.00024; TOPMed 0.00046.
gnomAD v4.1: 366 of 1,613,864 alleles (0.023%); highest among the groups gnomAD compares: Admixed American, 0.55%; 3 homozygotes.

Submissions (2):

Labcorp Genetics (formerly Invitae), Labcorp
Classification: Benign. Last evaluated: 2024-01-22. Review status: criteria provided, single submitter. Criteria: Invitae Variant Classification Sherloc (09022015). Collection method: clinical testing. Allele origin: germline.

Illumina Laboratory Services, Illumina
Classification: Benign for Isolated focal non-epidermolytic palmoplantar keratoderma. Last evaluated: 2018-01-12. Review status: criteria provided, single submitter. Criteria: ICSL Variant Classification Criteria 13 December 2019. Collection method: clinical testing. Allele origin: germline.
Comment: This variant was observed in the ICSL laboratory as part of a predisposition screen in an ostensibly healthy population. It had not been previously curated by ICSL or reported in the Human Gene Mutation Database (HGMD: prior to June 1st, 2018), and was therefore a candidate for classification through an automated scoring system. Utilizing variant allele frequency, disease prevalence and penetrance estimates, and inheritance mode, an automated score was calculated to assess if this variant is too frequent to cause the disease. Based on the score and internal cut-off values, a variant classified as benign is not then subjected to further curation. The score for this variant resulted in a classification of benign for this disease.